The following is an entry in ClinVar:

ClinVar aggregate classification (germline): Uncertain significance. Review status: criteria provided, multiple submitters, no conflicts (2 of 4 stars). 2 submissions from 2 submitters: Uncertain significance (2). Last evaluated 2024-07-11.

Submissions (2):

Blueprint Genetics
Classification: Uncertain significance. Last evaluated: 2024-07-11. Review status: criteria provided, single submitter. Criteria: ACMG Guidelines, 2015. Collection method: clinical testing. Allele origin: germline.

Labcorp Genetics (formerly Invitae), Labcorp
Classification: Uncertain significance. Last evaluated: 2022-03-19. Review status: criteria provided, single submitter. Criteria: Invitae Variant Classification Sherloc (09022015). Collection method: clinical testing. Allele origin: germline.
Comment: This sequence change replaces histidine, which is basic and polar, with proline, which is neutral and non-polar, at codon 1354 of the ABCA4 protein (p.His1354Pro). This variant is not present in population databases (gnomAD no frequency). This missense change has been observed in individual(s) with clinical features of ABCA4-related conditions (PMID: 30060493; Invitae). Algorithms developed to predict the effect of missense changes on protein structure and function are either unavailable or do not agree on the potential impact of this missense change (SIFT: "Deleterious"; PolyPhen-2: "Benign"; Align-GVGD: "Class C25"). In summary, the available evidence is currently insufficient to determine the role of this variant in disease. Therefore, it has been classified as a Variant of Uncertain Significance.

Literature cited by the submitters: PubMed 30060493 (cited by Labcorp Genetics (formerly Invitae), Labcorp).

NM_000350.3(ABCA4):c.4061A>C (p.His1354Pro)

Gene: ABCA4 (ATP binding cassette subfamily A member 4; minus strand). Cytogenetic location: 1p22.1.
Variant type: single nucleotide variant.
Coding change: c.4061A>C on transcript NM_000350.3 (MANE Select); coding-DNA position 4061, A replaced by C.
Protein change: p.His1354Pro; replaces histidine 1354 with proline.
Molecular consequence: missense variant.
Genome position (GRCh38, 1-based): chr1:94,031,845, T>G on the plus strand (A>C on the coding strand, the complement: ABCA4 is on the minus strand). VCF-style: chr1-94031845-T-G. GRCh37 (hg19) VCF-style: chr1-94497401-T-G.
Other names: c.3839A>C, p.His1280Pro (NM_001425324.1); short protein forms H1354P, H1280P.
Identifiers: ClinVar variation 1409652 (VCV001409652.9), dbSNP rs2101036888, ClinGen allele CA341287023.